The following is an entry in ClinVar:

NM_017780.4(CHD7):c.5405-7G>A

Gene: CHD7 (chromodomain helicase DNA binding protein 7; plus strand). Cytogenetic location: 8q12.2.
Variant type: single nucleotide variant.
Coding change: c.5405-7G>A on transcript NM_017780.4 (MANE Select); 7 bases into the intron before coding-DNA position 5405, G replaced by A.
Molecular consequence: intron variant.
Genome position (GRCh38, 1-based): chr8:60,850,486, G>A. VCF-style: chr8-60850486-G-A. GRCh37 (hg19) VCF-style: chr8-61763045-G-A.
Other names: IVS26AS, G-A, -7; c.5405-7G>A (LRG_176t1); c.1717-11743G>A (NM_001316690.1).
Identifiers: ClinVar variation 95795 (VCV000095795.77), dbSNP rs398124321, ClinGen allele CA223309.

ClinVar aggregate classification (germline): Pathogenic. Review status: criteria provided, multiple submitters, no conflicts (2 of 4 stars). 22 submissions from 22 submitters: Pathogenic (20). 2 of the submissions do not count toward it. Last evaluated 2026-03-10.

Conditions:
CHD7-related CHARGE syndrome. Identifiers: MedGen CN380413, MONDO:1010178, OMIM 214800.
CHD7-related disorder. Also called: CHD7-related condition.
Inborn genetic diseases. Identifiers: MedGen C0950123, MeSH D030342.
Hypogonadotropic hypogonadism 5 with or without anosmia (KAL5). Also called: CHD7-Related GnRH Deficiency (Kallmann Syndrome 5); HYPOGONADOTROPIC HYPOGONADISM 5 WITH ANOSMIA; HYPOGONADOTROPHIC HYPOGONADISM 5 WITHOUT ANOSMIA. Identifiers: Orphanet 478, MedGen C3552553, MONDO:0012880, OMIM 612370. Disease mechanism: loss of function.
CHARGE syndrome (CHARGE). Also called: CHARGE ASSOCIATION--COLOBOMA, HEART ANOMALY, CHOANAL ATRESIA, RETARDATION, GENITAL AND EAR ANOMALIES; Hittner Hirsch Kreh syndrome; Coloboma, heart anomaly, choanal atresia, retardation, genital and ear anomalies; CHARGE association; Hall-Hittner syndrome. Identifiers: Orphanet 138, MedGen C0265354, MONDO:0008965.

gnomAD v4.1: 3 of 1,602,262 alleles (0.00019%); highest among the groups gnomAD compares: Non-Finnish European, 0.00026%; no homozygotes.

Submissions 1 to 13 of 22:

PreventionGenetics, part of Exact Sciences
Classification: Pathogenic for CHD7-related condition. Last evaluated: 2026-03-10. Review status: criteria provided, single submitter. Criteria: ACMG Guidelines, 2015. Collection method: clinical testing. Allele origin: germline.
Comment: The CHD7 c.5405-7G>A variant is predicted to interfere with splicing. This is a well-documented recurrent pathogenic variant causative for CHARGE syndrome and has previously been reported as de novo (Bilan et al. 2012. PubMed ID: 22033296; Song et al. 2011. PubMed ID: 21931733). Functional studies found it creates a frameshift and premature protein termination by activating a cryptic splice acceptor site and introducing a five-base pair intronic sequence to the CHD7 messenger RNA (Song et al. 2011. PubMed ID: 21931733; Legendre et al. 2018. PubMed ID: 29255276). This variant has not been reported in a large population database (gnomAD), indicating this variant is rare. This variant is interpreted as pathogenic.

Labcorp Genetics (formerly Invitae), Labcorp
Classification: Pathogenic for CHARGE syndrome. Last evaluated: 2025-11-01. Review status: criteria provided, single submitter. Criteria: Invitae Variant Classification Sherloc (09022015). Collection method: clinical testing. Allele origin: germline.
Comment: This sequence change falls in intron 25 of the CHD7 gene. It does not directly change the encoded amino acid sequence of the CHD7 protein. This variant is not present in population databases (gnomAD no frequency). This variant has been observed in individual(s) with CHARGE syndrome (PMID: 15300250, 16155193, 16615981, 21158681, 21931733, 22033296). In at least one individual the variant was observed to be de novo. This variant is also known as IVS25-7G>A and IVS26-7G>A. ClinVar contains an entry for this variant (Variation ID: 95795). Studies have shown that this variant alters mRNA splicing and is expected to lead to the loss of protein expression (PMID: 21931733). For these reasons, this variant has been classified as Pathogenic.

3billion
Classification: Pathogenic for CHD7-related CHARGE syndrome. Last evaluated: 2025-08-20. Review status: criteria provided, single submitter. Criteria: ACMG Guidelines, 2015. Collection method: clinical testing. Allele origin: germline. Affected: yes.
Comment: The variant is observed at an extremely low frequency in the gnomAD v4.1.0 dataset (total allele frequency: <0.001%). Predicted Consequence/Location: Intron variant Functional studies provide strong evidence of the variant having a damaging effect on the gene or gene product (PMID: 21931733). In silico tools predict the variant to alter splicing and produce an abnormal transcript [SpliceAI: 0.98 (>=0.2, moderate evidence for spliceogenicity)]. The variant has been previously reported as de novo in at least two similarly affected unrelated individuals (PMID: 15300250, 22033296). The variant has been observed in multiple (>3) similarly affected unrelated individuals (PMID: 16155193, 16615981, 21158681, 21931733). The variant has been reported at least twice as pathogenic with clinical assertions and evidence for the classification (ClinVar ID: VCV000095795 /PMID: 15300250 /3billion dataset). Therefore, this variant is classified as Pathogenic according to the recommendation of ACMG/AMP guideline.

Ambry Genetics
Classification: Pathogenic for Inborn genetic diseases. Last evaluated: 2025-07-03. Review status: criteria provided, single submitter. Criteria: Ambry Variant Classification Scheme 2023. Collection method: clinical testing. Allele origin: germline.
Comment: The c.5405-7G>A intronic alteration results from a G to A substitution 7 nucleotides before coding exon 26 of the CHD7 gene. This variant was not reported in population-based cohorts in the Genome Aggregation Database (gnomAD). This variant was reported in multiple individuals with a clinical diagnosis of CHARGE syndrome; in at least one individual, it was determined to be de novo (Vissers, 2004; Jongmans, 2006; Aramaki, 2006; Song, 2011; Legendre, 2018; Ambry internal data). This nucleotide position is well conserved in available vertebrate species. An in vitro splicing analysis demonstrated the introduction of 5 additional nucleotides due to the activation of a cryptic acceptor site (Song, 2011). In silico splice site analysis predicts that this alteration may weaken the native splice acceptor site and will result in the creation or strengthening of a novel splice acceptor site. Based on the available evidence, this alteration is classified as pathogenic.

Center for Genomic Medicine, Rigshospitalet, Copenhagen University Hospital
Classification: Pathogenic. Last evaluated: 2025-03-04. Review status: criteria provided, single submitter. Criteria: ACMG Guidelines, 2015. Collection method: clinical testing. Allele origin: germline.

Division of Genetic & Genomic Pathology, Hong Kong Children's Hospital
Classification: Pathogenic for CHD7-related CHARGE syndrome. Last evaluated: 2024-11-14. Review status: criteria provided, single submitter. Criteria: ACMG Guidelines, 2015. Collection method: clinical testing. Allele origin: germline. Affected: yes.
Comment: CHD7 c.5405-7G>A is an intronic variant located close to the acceptor splice site of intron 25. The variant is present at a very low allele frequency in control populations (gnomAD v4.1.0: 3 in 1,170,070 alleles in non-Finnish European and absent in other populations). The variant has been reported in multiple patients with CHD7 disorder (ClinVar accession: VCV000095795.54; PMID: 15300250, 16615981, 21158681, 21931733, 22033296, 29255276), including a few de novo occurrences (VCV000095795.54; PMID: 15300250, 22033296). In silico analysis by SpliceAI-10k predicted an acceptor gain at position 2 from the variant (delta score of 0.98), which is predicted to result in partial intron retention and frameshift. In addition, in vitro splicing studies demonstrated the activation of a cryptic splice acceptor site and the introduction of a 5-bp intronic sequence by the variant (PMID: 21931733, 29255276). For these reasons, this variant is classified as pathogenic.

Blueprint Genetics
Classification: Pathogenic for CHD7-related disorders. Last evaluated: 2022-09-28. Review status: criteria provided, single submitter. Criteria: ACMG Guidelines, 2015. Collection method: clinical testing. Allele origin: de novo. Affected: yes. Observed: 1 variant allele.

Clinical Genetics Laboratory, Skane University Hospital Lund
Classification: Pathogenic. Last evaluated: 2022-05-27. Review status: criteria provided, single submitter. Criteria: ACMG Guidelines, 2015. Collection method: clinical testing. Allele origin: germline. Affected: yes.

Mendelics
Classification: Pathogenic for CHD7-related CHARGE syndrome. Last evaluated: 2022-05-04. Review status: criteria provided, single submitter. Criteria: Mendelics Assertion Criteria 2019. Collection method: clinical testing. Allele origin: germline.

GeneDx
Classification: Pathogenic. Last evaluated: 2022-03-16. Review status: criteria provided, single submitter. Criteria: GeneDx Variant Classification Process June 2021. Collection method: clinical testing. Allele origin: germline. Affected: yes.
Comment: Published in vitro splicing assay and RT-PCR studies indicate this variant creates a new splice acceptor site in intron 25 that results in abnormal gene splicing resulting in a frameshift in the resultant product (Song et al., 2011; Legendre et al., 2018); Not observed at significant frequency in large population cohorts (gnomAD); In silico analysis supports a deleterious effect on splicing; This variant is associated with the following publications: (PMID: 30216942, 30587507, 31130284, 21931733, 21158681, 16155193, 29255276, 22033296, 15300250, 32763379, 34008892, 32969205, 16615981)

Institute of Medical Genetics and Applied Genomics, University Hospital Tübingen
Classification: Pathogenic. Last evaluated: 2021-02-01. Review status: criteria provided, single submitter. Criteria: ACMG Guidelines, 2015. Collection method: clinical testing. Allele origin: germline. Inheritance: Autosomal dominant inheritance. Affected: yes.

CeGaT Center for Human Genetics Tuebingen
Classification: Pathogenic. Last evaluated: 2019-07-01. Review status: criteria provided, single submitter. Criteria: CeGaT Center For Human Genetics Tuebingen Variant Classification Criteria Version 2. Collection method: clinical testing. Allele origin: germline. Affected: yes. Observed: 1 variant allele.

Laboratory of Medical Genetics, National & Kapodistrian University of Athens
Classification: Pathogenic for CHD7-related CHARGE syndrome. Last evaluated: 2019-01-14. Review status: criteria provided, single submitter. Criteria: ACMG Guidelines, 2015. Collection method: clinical testing. Allele origin: de novo. Affected: yes.
Comment: PS3, PM2, PM6, PP3, PP4, PP5